The following is an entry in ClinVar:

NM_000059.4(BRCA2):c.2849T>G (p.Val950Gly)

Gene: BRCA2 (BRCA2 DNA repair associated; plus strand). Cytogenetic location: 13q13.1.
Variant type: single nucleotide variant.
Coding change: c.2849T>G on transcript NM_000059.4 (MANE Select); coding-DNA position 2849, T replaced by G.
Protein change: p.Val950Gly; replaces valine 950 with glycine.
Molecular consequence: missense variant. On other transcripts: non-coding transcript variant (1), intron variant (2).
Genome position (GRCh38, 1-based): chr13:32,337,204, T>G. VCF-style: chr13-32337204-T-G. GRCh37 (hg19) VCF-style: chr13-32911341-T-G.
Other names: c.2849T>G, p.Val950Gly (NM_001406719.1, NM_001406720.1); c.1909+3817T>G (NM_001406721.1); c.424+6174T>G (NM_001406722.1); short protein forms V950G.
Identifiers: ClinVar variation 2819521 (VCV002819521.3), dbSNP rs80358535, ClinGen allele CA387773926.

ClinVar aggregate classification (germline): Uncertain significance (1 of 4 stars; one submission).

Conditions:
Hereditary breast ovarian cancer syndrome. Also called: Hereditary breast and ovarian cancer; BRCA1- and BRCA2-Associated Hereditary Breast and Ovarian Cancer; Hereditary breast and ovarian cancer syndrome; Breast and ovarian cancer; Hereditary breast and ovarian cancer syndrome (HBOC); Hereditary breast and/or ovarian cancer syndrome. Identifiers: Orphanet 145, MedGen C0677776, MeSH D061325, MONDO:0003582. Disease mechanism: loss of function.

Submission:

Labcorp Genetics (formerly Invitae), Labcorp
Classification: Uncertain significance for Hereditary breast ovarian cancer syndrome. Last evaluated: 2022-12-08. Review status: criteria provided, single submitter. Criteria: Invitae Variant Classification Sherloc (09022015). Collection method: clinical testing. Allele origin: germline.
Comment: This sequence change replaces valine, which is neutral and non-polar, with glycine, which is neutral and non-polar, at codon 950 of the BRCA2 protein (p.Val950Gly). This variant has not been reported in the literature in individuals affected with BRCA2-related conditions. This variant is not present in population databases (gnomAD no frequency). In summary, the available evidence is currently insufficient to determine the role of this variant in disease. Therefore, it has been classified as a Variant of Uncertain Significance. Advanced modeling of protein sequence and biophysical properties (such as structural, functional, and spatial information, amino acid conservation, physicochemical variation, residue mobility, and thermodynamic stability) performed at Invitae indicates that this missense variant is not expected to disrupt BRCA2 protein function.